The following is an entry in ClinVar:

NM_080680.3(COL11A2):c.2492C>T (p.Ser831Leu)

Gene: COL11A2 (collagen type XI alpha 2 chain; minus strand). Cytogenetic location: 6p21.32.
Variant type: single nucleotide variant.
Coding change: c.2492C>T on transcript NM_080680.3 (MANE Select); coding-DNA position 2492, C replaced by T.
Protein change: p.Ser831Leu; replaces serine 831 with leucine.
Molecular consequence: missense variant.
Genome position (GRCh38, 1-based): chr6:33,174,048, G>A on the plus strand (C>T on the coding strand, the complement: COL11A2 is on the minus strand). VCF-style: chr6-33174048-G-A. GRCh37 (hg19) VCF-style: chr6-33141825-G-A.
Other names: c.2171C>T, p.Ser724Leu (NM_080679.3); c.2234C>T, p.Ser745Leu (NM_080681.3); short protein forms S724L, S745L, S831L.
Identifiers: ClinVar variation 1592134 (VCV001592134.9), dbSNP rs121912949, ClinGen allele CA3750872.
Genomic context (GRCh38, chr6:33,174,048, plus strand): 5'-CTGTTTCTCTCCCCTGCACTCACCGTGGGGCCCCGTTCTCCCCGAGGCCCTGACTTCCCC[G>A]ACAGGCCCTGGTGGGAATGAAGCAGAGAGAACATTACCCAGGGTGAGACTCCCCACAGAC-3'
Protein context (NP_542411.2, residues 821-841): ASGEKGARGL[Ser831Leu]GKSGPRGERG

ClinVar aggregate classification (germline): Conflicting classifications of pathogenicity. Review status: criteria provided, conflicting classifications (1 of 4 stars). 2 submissions from 2 submitters: Uncertain significance (1); Likely benign (1). Last evaluated 2026-01-28.

Allele frequency attached by ClinVar (database versions not stated): gnomAD 0.00003; gnomAD exomes 0.00003 and 0.00007; ExAC 0.00012.
gnomAD v4.1: 54 of 1,613,842 alleles (0.0033%); highest among the groups gnomAD compares: South Asian, 0.0088%; no homozygotes.

Submissions (2):

Labcorp Genetics (formerly Invitae), Labcorp
Classification: Likely benign. Last evaluated: 2026-01-28. Review status: criteria provided, single submitter. Criteria: Invitae Variant Classification Sherloc (09022015). Collection method: clinical testing. Allele origin: germline.

Women's Health and Genetics/Laboratory Corporation of America, LabCorp
Classification: Uncertain significance. Last evaluated: 2024-08-12. Review status: criteria provided, single submitter. Criteria: LabCorp Variant Classification Summary - May 2015. Collection method: clinical testing. Allele origin: germline.
Comment: Variant summary: COL11A2 c.2492C>T (p.Ser831Leu) results in a non-conservative amino acid change in the encoded protein sequence. Four of five in-silico tools predict a benign effect of the variant on protein function. The variant allele was found at a frequency of 7.2e-05 in 249930 control chromosomes. This frequency is not significantly higher than estimated for a pathogenic variant in COL11A2 causing COL11A2-Related Disorders, allowing no conclusion about variant significance. c.2492C>T has been reported in the literature in an individual affected with COL11A2-Related Disorders (Nishio_2015). These report(s) do not provide unequivocal conclusions about association of the variant with COL11A2-Related Disorders. To our knowledge, no experimental evidence demonstrating an impact on protein function has been reported. The following publication have been ascertained in the context of this evaluation (PMID: 25788563). ClinVar contains an entry for this variant (Variation ID: 1592134). Based on the evidence outlined above, the variant was classified as uncertain significance.

Literature cited by the submitters: PubMed 25788563 (cited by Women's Health and Genetics/Laboratory Corporation of America, LabCorp).